The following is an entry in ClinVar:

ClinVar aggregate classification (germline): Uncertain significance (1 of 4 stars; one submission).

Conditions:
Mucopolysaccharidosis, MPS-III-B (MPS3B). Also called: N-ACETYL-ALPHA-D-GLUCOSAMINIDASE DEFICIENCY; NAGLU DEFICIENCY; SANFILIPPO SYNDROME B; MPS III B; Mucopolysaccharidosis type IIIB (Sanfilippo B); MPS IIIB (Sanfilippo Syndrome Type B). Identifiers: Orphanet 79270, MedGen C0086648, MONDO:0009656, OMIM 252920.
Charcot-Marie-Tooth disease axonal type 2V. Also called: CHARCOT-MARIE-TOOTH NEUROPATHY, TYPE 2V; CHARCOT-MARIE-TOOTH DISEASE, AXONAL, AUTOSOMAL DOMINANT, TYPE 2V. Identifiers: Orphanet 447964, MedGen C5569050, MONDO:0014665, OMIM 616491.

Submission:

Labcorp Genetics (formerly Invitae), Labcorp
Classification: Uncertain significance for Charcot-Marie-Tooth disease axonal type 2V; Mucopolysaccharidosis, MPS-III-B. Last evaluated: 2022-04-01. Review status: criteria provided, single submitter. Criteria: Invitae Variant Classification Sherloc (09022015). Collection method: clinical testing. Allele origin: germline.
Comment: This sequence change replaces glutamine, which is neutral and polar, with lysine, which is basic and polar, at codon 176 of the NAGLU protein (p.Gln176Lys). This variant is not present in population databases (gnomAD no frequency). This variant has not been reported in the literature in individuals affected with NAGLU-related conditions. Advanced modeling of protein sequence and biophysical properties (such as structural, functional, and spatial information, amino acid conservation, physicochemical variation, residue mobility, and thermodynamic stability) performed at Invitae indicates that this missense variant is expected to disrupt NAGLU protein function. In summary, the available evidence is currently insufficient to determine the role of this variant in disease. Therefore, it has been classified as a Variant of Uncertain Significance.

NM_000263.4(NAGLU):c.526C>A (p.Gln176Lys)

Gene: NAGLU (N-acetyl-alpha-glucosaminidase; plus strand). Cytogenetic location: 17q21.2.
Variant type: single nucleotide variant.
Coding change: c.526C>A on transcript NM_000263.4 (MANE Select); coding-DNA position 526, C replaced by A.
Protein change: p.Gln176Lys; replaces glutamine 176 with lysine.
Molecular consequence: missense variant.
Genome position (GRCh38, 1-based): chr17:42,537,540, C>A. VCF-style: chr17-42537540-C-A. GRCh37 (hg19) VCF-style: chr17-40689558-C-A.
Other names: short protein forms Q176K.
Identifiers: ClinVar variation 1948628 (VCV001948628.2), dbSNP rs2510652265, ClinGen allele CA399598304.